The following is an entry in ClinVar:

NM_015047.3(EMC1):c.1812C>T (p.Phe604=)

Genes: EMC1 (ER membrane protein complex subunit 1; minus strand), EMC1-AS1 (EMC1 antisense RNA 1; plus strand). Cytogenetic location: 1p36.13.
Variant type: single nucleotide variant.
Coding change: c.1812C>T on transcript NM_015047.3 (MANE Select); coding-DNA position 1812, C replaced by T.
Protein change: p.Phe604=; no amino-acid change (phenylalanine 604 retained).
Molecular consequence: synonymous variant.
Genome position (GRCh38, 1-based): chr1:19,231,393, G>A on the plus strand (C>T on the coding strand, the complement: EMC1 is on the minus strand). VCF-style: chr1-19231393-G-A. GRCh37 (hg19) VCF-style: chr1-19557887-G-A.
Other names: c.1809C>T, p.Phe603= (NM_001271427.2, NM_001271428.2); c.1746C>T, p.Phe582= (NM_001271429.2); c.1821C>T, p.Phe607= (NM_001375820.1); c.1818C>T, p.Phe606= (NM_001375821.1).
Identifiers: ClinVar variation 2114406 (VCV002114406.4), dbSNP rs1035699101, ClinGen allele CA18815164.

ClinVar aggregate classification (germline): Uncertain significance (1 of 4 stars; one submission).

Allele frequency attached by ClinVar (database versions not stated): gnomAD exomes below 0.00001; TOPMed below 0.00001.
gnomAD v4.1: 2 of 1,612,464 alleles (0.00012%); highest among the groups gnomAD compares: African/African-American, 0.0013%; no homozygotes.

Submission:

Labcorp Genetics (formerly Invitae), Labcorp
Classification: Uncertain significance. Last evaluated: 2022-03-19. Review status: criteria provided, single submitter. Criteria: Invitae Variant Classification Sherloc (09022015). Collection method: clinical testing. Allele origin: germline.
Comment: In summary, the available evidence is currently insufficient to determine the role of this variant in disease. Therefore, it has been classified as a Variant of Uncertain Significance. Algorithms developed to predict the effect of sequence changes on RNA splicing suggest that this variant may disrupt the consensus splice site. This variant has not been reported in the literature in individuals affected with EMC1-related conditions. This variant is present in population databases (no rsID available, gnomAD 0.007%). This sequence change affects codon 604 of the EMC1 mRNA. It is a 'silent' change, meaning that it does not change the encoded amino acid sequence of the EMC1 protein.